The following is an entry in ClinVar:

ClinVar aggregate classification (germline): Uncertain significance (1 of 4 stars; one submission).

Conditions:
Primary dilated cardiomyopathy (DCM). Also called: Dilated Cardiomyopathy. Identifiers: Orphanet 217604, MedGen C0007193, MeSH D002311, MONDO:0005021, HP:0001644. Inheritance: Various modes of inheritance.
Hypertrophic cardiomyopathy. Also called: HYPERTROPHIC MYOCARDIOPATHY. Identifiers: Orphanet 217569, MedGen C0007194, MeSH D002312, MONDO:0005045, HP:0001639.

Allele frequency attached by ClinVar (database versions not stated): gnomAD 0.00001; gnomAD exomes 0.00001.

Submission:

Labcorp Genetics (formerly Invitae), Labcorp
Classification: Uncertain significance for Hypertrophic cardiomyopathy; Primary dilated cardiomyopathy. Last evaluated: 2021-03-09. Review status: criteria provided, single submitter. Criteria: Invitae Variant Classification Sherloc (09022015). Collection method: clinical testing. Allele origin: germline.
Comment: This sequence change replaces glycine with serine at codon 354 of the PDLIM3 protein (p.Gly354Ser). The glycine residue is highly conserved and there is a small physicochemical difference between glycine and serine. In summary, the available evidence is currently insufficient to determine the role of this variant in disease. Therefore, it has been classified as a Variant of Uncertain Significance. Algorithms developed to predict the effect of missense changes on protein structure and function (SIFT, PolyPhen-2, Align-GVGD) all suggest that this variant is likely to be disruptive, but these predictions have not been confirmed by published functional studies and their clinical significance is uncertain. This variant has not been reported in the literature in individuals with PDLIM3-related conditions. This variant is not present in population databases (ExAC no frequency).

NM_014476.6(PDLIM3):c.1060G>A (p.Gly354Ser)

Gene: PDLIM3 (PDZ and LIM domain 3; minus strand). Cytogenetic location: 4q35.1.
Variant type: single nucleotide variant.
Coding change: c.1060G>A on transcript NM_014476.6 (MANE Select); coding-DNA position 1060, G replaced by A.
Protein change: p.Gly354Ser; replaces glycine 354 with serine.
Molecular consequence: missense variant. On other transcripts: non-coding transcript variant (1).
Genome position (GRCh38, 1-based): chr4:185,502,329, C>T on the plus strand (G>A on the coding strand, the complement: PDLIM3 is on the minus strand). VCF-style: chr4-185502329-C-T. GRCh37 (hg19) VCF-style: chr4-186423483-C-T.
Other names: c.916G>A, p.Gly306Ser (NM_001114107.5); c.796G>A, p.Gly266Ser (NM_001257962.2); c.559G>A, p.Gly187Ser (NM_001257963.2); short protein forms G187S, G266S, G306S, G354S.
Identifiers: ClinVar variation 1387398 (VCV001387398.8), dbSNP rs2095688353, ClinGen allele CA358919220.